The following is an entry in ClinVar:

ClinVar aggregate classification (germline): Uncertain significance. Review status: criteria provided, multiple submitters, no conflicts (2 of 4 stars). 2 submissions from 2 submitters: Uncertain significance (2). Last evaluated 2025-07-16.

Conditions:
EGFR-related lung cancer (EGFR). Identifiers: MedGen CN130014.
Hereditary cancer-predisposing syndrome. Also called: Neoplastic Syndromes, Hereditary; Tumor predisposition; Hereditary neoplastic syndrome; Hereditary Cancer Syndrome. Identifiers: Orphanet 140162, MedGen C0027672, MeSH D009386, MONDO:0015356.

Allele frequency attached by ClinVar (database versions not stated): gnomAD exomes below 0.00001; ExAC 0.00001; TOPMed 0.00002.
gnomAD v4.1: 6 of 1,614,054 alleles (0.00037%); highest among the groups gnomAD compares: African/African-American, 0.0027%; no homozygotes.

Submissions (2):

Labcorp Genetics (formerly Invitae), Labcorp
Classification: Uncertain significance for EGFR-related lung cancer. Last evaluated: 2025-07-16. Review status: criteria provided, single submitter. Criteria: Invitae Variant Classification Sherloc (09022015). Collection method: clinical testing. Allele origin: germline.
Comment: This sequence change replaces arginine, which is basic and polar, with tryptophan, which is neutral and slightly polar, at codon 149 of the EGFR protein (p.Arg149Trp). This variant is present in population databases (rs774146556, gnomAD 0.005%). This variant has not been reported in the literature in individuals affected with EGFR-related conditions. ClinVar contains an entry for this variant (Variation ID: 837197). An algorithm developed to predict the effect of missense changes on protein structure and function (PolyPhen-2) suggests that this variant is likely to be disruptive. In summary, the available evidence is currently insufficient to determine the role of this variant in disease. Therefore, it has been classified as a Variant of Uncertain Significance.

Ambry Genetics
Classification: Uncertain significance for Hereditary cancer-predisposing syndrome. Last evaluated: 2025-03-04. Review status: criteria provided, single submitter. Criteria: Ambry Variant Classification Scheme 2023. Collection method: clinical testing. Allele origin: germline.
Comment: The p.R149W variant (also known as c.445C>T), located in coding exon 4 of the EGFR gene, results from a C to T substitution at nucleotide position 445. The arginine at codon 149 is replaced by tryptophan, an amino acid with dissimilar properties. This amino acid position is not well conserved in available vertebrate species. In addition, the in silico prediction for this alteration is inconclusive. Based on the available evidence, the clinical significance of this variant remains unclear.

NM_005228.5(EGFR):c.445C>T (p.Arg149Trp)

Gene: EGFR (epidermal growth factor receptor; plus strand). Cytogenetic location: 7p11.2.
Variant type: single nucleotide variant.
Coding change: c.445C>T on transcript NM_005228.5 (MANE Select); coding-DNA position 445, C replaced by T.
Protein change: p.Arg149Trp; replaces arginine 149 with tryptophan.
Molecular consequence: missense variant. On other transcripts: intron variant (3).
Genome position (GRCh38, 1-based): chr7:55,146,626, C>T. VCF-style: chr7-55146626-C-T. GRCh37 (hg19) VCF-style: chr7-55214319-C-T.
Other names: c.445C>T, p.Arg149Trp (NM_001346898.2, NM_201282.2, NM_201283.2 and 1 more transcripts); c.286C>T, p.Arg96Trp (NM_001346900.2); c.424+3138C>T (NM_001346899.2, NM_001346897.2); c.89-9204C>T (NM_001346941.2); short protein forms R96W, R149W.
Identifiers: ClinVar variation 837197 (VCV000837197.8), dbSNP rs774146556, ClinGen allele CA4265225.